The following is an entry in ClinVar:

NM_001256789.3(CACNA1F):c.5159AAG[1] (p.Glu1721del)

Gene: CACNA1F (calcium voltage-gated channel subunit alpha1 F; minus strand). Cytogenetic location: Xp11.23.
Variant type: Microsatellite.
Coding change: c.5159AAG[1] on transcript NM_001256789.3 (MANE Select); one copy of the 3-base unit AAG starting at c.5159; the reference has two copies in a row; one copy, 3 bases deleted.
Protein change: p.Glu1721del; deletes glutamic acid 1721.
Molecular consequence: inframe deletion.
Genome position (GRCh38, 1-based): chrX:49,207,072-49,207,074, CTT deleted on the plus strand (AAG on the coding strand, the reverse complement: CACNA1F is on the minus strand); deleting any 3 consecutive bases within chrX:49,207,072-49,207,079 gives the same sequence; the position shown is the placement nearest the transcript's 3' end. VCF-style (leftmost placement, unchanged base first): chrX-49207071-CCTT-C. GRCh37 (hg19) VCF-style: chrX-49063532-CCTT-C.
Other names: c.4997AAG[1], p.Glu1667del (NM_001256790.3); c.5192AAG[1], p.Glu1732del (NM_005183.4); c.5195_5197delAAG (NM_005183.3); short protein forms E1667del, E1721del, E1732del.
Identifiers: ClinVar variation 1521791 (VCV001521791.8), dbSNP rs1273599915, ClinGen allele CA641902959.

ClinVar aggregate classification (germline): Uncertain significance. Review status: criteria provided, multiple submitters, no conflicts (2 of 4 stars). 3 submissions from 3 submitters: Uncertain significance (3). Last evaluated 2026-06-01.

Conditions:
CACNA1F-related disorder. Also called: CACNA1F-related condition.

Submissions (3):

PreventionGenetics, part of Exact Sciences
Classification: Uncertain significance for CACNA1F-related condition. Last evaluated: 2026-06-01. Review status: criteria provided, single submitter. Criteria: ACMG Guidelines, 2015. Collection method: clinical testing. Allele origin: germline.
Comment: The CACNA1F c.5195_5197delAAG variant is predicted to result in an in-frame deletion (p.Glu1732del). To our knowledge, this variant has not been reported in individuals with CACNA1F-related conditions in the literature. This variant is reported in 0.011% of alleles in individuals of African descent in gnomAD. Although we suspect that this variant may be benign, at this time, the clinical significance of this variant is uncertain due to the absence of conclusive functional and genetic evidence.

Labcorp Genetics (formerly Invitae), Labcorp
Classification: Uncertain significance. Last evaluated: 2024-11-27. Review status: criteria provided, single submitter. Criteria: Invitae Variant Classification Sherloc (09022015). Collection method: clinical testing. Allele origin: germline.
Comment: This variant, c.5195_5197del, results in the deletion of 1 amino acid(s) of the CACNA1F protein (p.Glu1732del), but otherwise preserves the integrity of the reading frame. This variant is present in population databases (no rsID available, gnomAD 0.01%). This variant has not been reported in the literature in individuals affected with CACNA1F-related conditions. Experimental studies and prediction algorithms are not available or were not evaluated, and the functional significance of this variant is currently unknown. In summary, the available evidence is currently insufficient to determine the role of this variant in disease. Therefore, it has been classified as a Variant of Uncertain Significance.

Blueprint Genetics
Classification: Uncertain significance. Last evaluated: 2021-12-10. Review status: criteria provided, single submitter. Criteria: ACMG Guidelines, 2015. Collection method: clinical testing. Allele origin: germline.